The following is an entry in ClinVar:

NM_000075.4(CDK4):c.344A>G (p.Glu115Gly)

Gene: CDK4 (cyclin dependent kinase 4; minus strand). Cytogenetic location: 12q14.1.
Variant type: single nucleotide variant.
Coding change: c.344A>G on transcript NM_000075.4 (MANE Select); coding-DNA position 344, A replaced by G.
Protein change: p.Glu115Gly; replaces glutamic acid 115 with glycine.
Molecular consequence: missense variant.
Genome position (GRCh38, 1-based): chr12:57,751,217, T>C on the plus strand (A>G on the coding strand, the complement: CDK4 is on the minus strand). VCF-style: chr12-57751217-T-C. GRCh37 (hg19) VCF-style: chr12-58145000-T-C.
Other names: short protein forms E115G.
Identifiers: ClinVar variation 3637628 (VCV003637628.2).

ClinVar aggregate classification (germline): Uncertain significance (1 of 4 stars; one submission).

Conditions:
Familial melanoma. Also called: Hereditary melanoma; Hereditary cutaneous melanoma. Identifiers: Orphanet 618, MedGen C1512419, MONDO:0018961.

Submission:

Labcorp Genetics (formerly Invitae), Labcorp
Classification: Uncertain significance for Familial melanoma. Last evaluated: 2024-10-07. Review status: criteria provided, single submitter. Criteria: Invitae Variant Classification Sherloc (09022015). Collection method: clinical testing. Allele origin: germline.
Comment: This sequence change replaces glutamic acid, which is acidic and polar, with glycine, which is neutral and non-polar, at codon 115 of the CDK4 protein (p.Glu115Gly). This variant is not present in population databases (gnomAD no frequency). This variant has not been reported in the literature in individuals affected with CDK4-related conditions. Invitae Evidence Modeling of protein sequence and biophysical properties (such as structural, functional, and spatial information, amino acid conservation, physicochemical variation, residue mobility, and thermodynamic stability) indicates that this missense variant is not expected to disrupt CDK4 protein function with a negative predictive value of 95%. In summary, the available evidence is currently insufficient to determine the role of this variant in disease. Therefore, it has been classified as a Variant of Uncertain Significance.